The following is an entry in ClinVar:

NM_207361.6(FREM2):c.238C>T (p.Arg80Trp)

Gene: FREM2 (FRAS1 related extracellular matrix 2; plus strand). Cytogenetic location: 13q13.3.
Variant type: single nucleotide variant.
Coding change: c.238C>T on transcript NM_207361.6 (MANE Select); coding-DNA position 238, C replaced by T.
Protein change: p.Arg80Trp; replaces arginine 80 with tryptophan.
Molecular consequence: missense variant.
Genome position (GRCh38, 1-based): chr13:38,687,582, C>T. VCF-style: chr13-38687582-C-T. GRCh37 (hg19) VCF-style: chr13-39261719-C-T.
Other names: short protein forms R80W.
Identifiers: ClinVar variation 3694185 (VCV003694185.2).

ClinVar aggregate classification (germline): Uncertain significance (1 of 4 stars; one submission).

gnomAD v4.1: 4 of 1,606,542 alleles (0.00025%); highest among the groups gnomAD compares: African/African-American, 0.004%; no homozygotes.

Submission:

Labcorp Genetics (formerly Invitae), Labcorp
Classification: Uncertain significance. Last evaluated: 2024-11-22. Review status: criteria provided, single submitter. Criteria: Invitae Variant Classification Sherloc (09022015). Collection method: clinical testing. Allele origin: germline.
Comment: This sequence change replaces arginine, which is basic and polar, with tryptophan, which is neutral and slightly polar, at codon 80 of the FREM2 protein (p.Arg80Trp). The frequency data for this variant in the population databases is considered unreliable, as metrics indicate poor data quality at this position in the gnomAD database. This variant has not been reported in the literature in individuals affected with FREM2-related conditions. Invitae Evidence Modeling of protein sequence and biophysical properties (such as structural, functional, and spatial information, amino acid conservation, physicochemical variation, residue mobility, and thermodynamic stability) indicates that this missense variant is not expected to disrupt FREM2 protein function with a negative predictive value of 80%. In summary, the available evidence is currently insufficient to determine the role of this variant in disease. Therefore, it has been classified as a Variant of Uncertain Significance.